The following is an entry in ClinVar:

ClinVar aggregate classification (germline): Uncertain significance (1 of 4 stars; one submission).

Allele frequency attached by ClinVar (database versions not stated): gnomAD exomes below 0.00001; TOPMed below 0.00001; gnomAD 0.00001.

Submission:

Labcorp Genetics (formerly Invitae), Labcorp
Classification: Uncertain significance. Last evaluated: 2022-11-01. Review status: criteria provided, single submitter. Criteria: Invitae Variant Classification Sherloc (09022015). Collection method: clinical testing. Allele origin: germline.
Comment: In summary, the available evidence is currently insufficient to determine the role of this variant in disease. Therefore, it has been classified as a Variant of Uncertain Significance. Algorithms developed to predict the effect of missense changes on protein structure and function are either unavailable or do not agree on the potential impact of this missense change (SIFT: "Deleterious"; PolyPhen-2: "Probably Damaging"; Align-GVGD: "Class C15"). This variant has not been reported in the literature in individuals affected with PRDM13-related conditions. The frequency data for this variant in the population databases is considered unreliable, as metrics indicate poor data quality at this position in the gnomAD database. This sequence change replaces glycine, which is neutral and non-polar, with arginine, which is basic and polar, at codon 90 of the PRDM13 protein (p.Gly90Arg).

NM_021620.4(PRDM13):c.268G>A (p.Gly90Arg)

Gene: PRDM13 (PR/SET domain 13; plus strand). Cytogenetic location: 6q16.2.
Variant type: single nucleotide variant.
Coding change: c.268G>A on transcript NM_021620.4 (MANE Select); coding-DNA position 268, G replaced by A.
Protein change: p.Gly90Arg; replaces glycine 90 with arginine.
Molecular consequence: missense variant.
Genome position (GRCh38, 1-based): chr6:99,608,864, G>A. VCF-style: chr6-99608864-G-A. GRCh37 (hg19) VCF-style: chr6-100056740-G-A.
Other names: short protein forms G90R.
Identifiers: ClinVar variation 2811188 (VCV002811188.3), dbSNP rs1418718800, ClinGen allele CA365113960.